The following is an entry in ClinVar:

NM_000180.4(GUCY2D):c.464C>T (p.Thr155Met)

Gene: GUCY2D (guanylate cyclase 2D, retinal; plus strand). Cytogenetic location: 17p13.1.
Variant type: single nucleotide variant.
Coding change: c.464C>T on transcript NM_000180.4 (MANE Select); coding-DNA position 464, C replaced by T.
Protein change: p.Thr155Met; replaces threonine 155 with methionine.
Molecular consequence: missense variant.
Genome position (GRCh38, 1-based): chr17:8,003,511, C>T. VCF-style: chr17-8003511-C-T. GRCh37 (hg19) VCF-style: chr17-7906829-C-T.
Other names: short protein forms T155M.
Identifiers: ClinVar variation 4788097 (VCV004788097.1).

ClinVar aggregate classification (germline): Uncertain significance (1 of 4 stars; one submission).

Conditions:
Leber congenital amaurosis 1 (LCA1). Also called: AMAUROSIS CONGENITA OF LEBER I; RETINAL BLINDNESS, CONGENITAL; Congenital absence of the rods and cones; Leber's congenital tapetoretinal degeneration; Leber's congenital tapetoretinal dysplasia. Identifiers: Orphanet 65, MedGen C2931258, MONDO:0008764, OMIM 204000.
Cone-rod dystrophy 6 (CORD6). Also called: RETINAL CONE DYSTROPHY 2; Cone dystrophy progressive. Identifiers: Orphanet 1872, MedGen C1866293, MONDO:0011143, OMIM 601777.

Submission:

Labcorp Genetics (formerly Invitae), Labcorp
Classification: Uncertain significance for Leber congenital amaurosis 1; Cone-rod dystrophy 6. Last evaluated: 2025-09-21. Review status: criteria provided, single submitter. Criteria: Invitae Variant Classification Sherloc (09022015). Collection method: clinical testing. Allele origin: germline.
Comment: This sequence change replaces threonine, which is neutral and polar, with methionine, which is neutral and non-polar, at codon 155 of the GUCY2D protein (p.Thr155Met). This variant is present in population databases (no rsID available, gnomAD 0.01%). This variant has not been reported in the literature in individuals affected with GUCY2D-related conditions. Invitae Evidence Modeling of protein sequence and biophysical properties (such as structural, functional, and spatial information, amino acid conservation, physicochemical variation, residue mobility, and thermodynamic stability) indicates that this missense variant is not expected to disrupt GUCY2D protein function with a negative predictive value of 80%. In summary, the available evidence is currently insufficient to determine the role of this variant in disease. Therefore, it has been classified as a Variant of Uncertain Significance.